The following is an entry in ClinVar:

NM_000334.4(SCN4A):c.3917G>C (p.Gly1306Ala)

Genes: GH-LCR (growth hormone locus control region; plus strand), SCN4A (sodium voltage-gated channel alpha subunit 4; minus strand). Cytogenetic location: 17q23.3.
Variant type: single nucleotide variant.
Coding change: c.3917G>C on transcript NM_000334.4 (MANE Select); coding-DNA position 3917, G replaced by C.
Protein change: p.Gly1306Ala; replaces glycine 1306 with alanine.
Molecular consequence: missense variant.
Genome position (GRCh38, 1-based): chr17:63,943,846, C>G on the plus strand (G>C on the coding strand, the complement: SCN4A is on the minus strand). VCF-style: chr17-63943846-C-G. GRCh37 (hg19) VCF-style: chr17-62021206-C-G.
Other names: short protein forms G1306A.
Identifiers: ClinVar variation 5908 (VCV000005908.75), dbSNP rs80338792, ClinGen allele CA117845.
Genomic context (GRCh38, chr17:63,943,846, plus strand): 5'-AGCTTCTTCATGGCGTTATAGTATTTCTTCTGTTCCTCCGTCATAAAGATGTCTTTCCCC[C>G]CTAAGTATAGTGGGATAGGGCTTGTCAGGTTGAGGTGCAGTTCCCCTTCCTGCCTCCAGG-3'
Protein context (NP_000325.4, residues 1296-1316): DNFNQQKKKL[Gly1306Ala]GKDIFMTEEQ

ClinVar aggregate classification (germline): Pathogenic/Likely pathogenic. Review status: criteria provided, multiple submitters, no conflicts (2 of 4 stars). 15 submissions from 15 submitters: Pathogenic (13); Likely pathogenic (1). 1 of the submissions does not count toward it. Last evaluated 2026-04-15.

Conditions:
Myotonia fluctuans. Identifiers: Orphanet 99734, MedGen C0752355, MONDO:0020481.
SCN4A-related channelopathy. Identifiers: MedGen CN375929, MONDO:0800468.
Skeletal muscle channelopathy.
SCN4A-related disorder. Also called: SCN4A-related disorders.
Inborn genetic diseases. Identifiers: MedGen C0950123, MeSH D030342.
Hyperkalemic periodic paralysis. Also called: Gamstorp disease; Familial hyperkalemic periodic paralysis. Identifiers: Orphanet 682, MedGen C0238357, MONDO:0008224, OMIM 170500, HP:0007215.
Paramyotonia congenita of Von Eulenburg. Also called: Eulenburg disease; Myotonia congenita intermittens; Von Eulenburg paramyotonia congenita; Paramyotonia Congenita; PARALYSIS PERIODICA PARAMYOTONICA. Identifiers: Orphanet 684, MedGen C0221055, MONDO:0008195, OMIM 168300. Disease mechanism: loss of function.
Potassium-aggravated myotonia. Also called: MYOTONIA CONGENITA, ACETAZOLAMIDE-RESPONSIVE; MYOTONIA CONGENITA, ATYPICAL; Myotonia congenita, atypical, acetazolamide-responsive; SODIUM CHANNEL MUSCLE DISEASE. Identifiers: Orphanet 612, Orphanet 99734, Orphanet 99735, Orphanet 99736, MedGen C2931826, MONDO:0018959, OMIM 608390.
Hypokalemic periodic paralysis, type 2 (HOKPP2). Identifiers: Orphanet 681, MedGen C2750061, MONDO:0013234, OMIM 613345.

Allele frequency attached by ClinVar (database versions not stated): gnomAD 0.00001; TOPMed 0.00001; ExAC 0.00001.
gnomAD v4.1: 9 of 1,601,794 alleles (0.00056%); highest among the groups gnomAD compares: African/African-American, 0.0013%; no homozygotes.

Submissions 1 to 8 of 15:

Genetics Laboratory, Great Ormond Street Hospital NHS Foundation Trust, North Thames Genomic Laboratory Hub
Classification: Pathogenic for Skeletal muscle channelopathy. Last evaluated: 2026-04-15. Review status: criteria provided, single submitter. Criteria: ACGS Best Practice Guidelines for Variant Classification in Rare Disease 2024 v1.2. Collection method: clinical testing. Allele origin: germline. Affected: yes.
Comment: PS4_moderate, PM5_moderate, PS3_strong, PM1_moderate, PP1_strong

Clinical Genetics Laboratory, Region Ostergotland
Classification: Pathogenic for Paramyotonia congenita of Von Eulenburg. Last evaluated: 2026-03-11. Review status: criteria provided, single submitter. Criteria: ACMG Guidelines, 2015. Collection method: clinical testing. Allele origin: germline. Affected: yes.
Comment: The NM_000334.4:c.3917G>C p.(Gly1306Ala) missense variant (REVEL score = 0.871) is rare in population database (total AF <0.00001 gnomAD-nonUKB v4.1.0) and located in an amino acid residue where different missense changes determined to be pathogenic has been seen before (PMID:32593548, PMID:29606556, PMID:33263785). Functional studies support a damaging effect on protein function (PMID:8740371, PMID:7473241, PMID:16392038). The prevalence of the variant in affected individuals is significantly increased compared with controls (PMID:8308722, PMID:36796140, PMID:33263785, PMID:32660787, PMID:33573884, PMID:28325641, PMID:32670189) and the variant cosegregate with disease in affected family members (PMID:15389891, PMID:26080010, PMID:29606556). The following ACMG/AMP criteria were applied in classifying this variant: PM2, PP3_moderate, PS4, PM5, PS3_supporting, PP1

Labcorp Genetics (formerly Invitae), Labcorp
Classification: Pathogenic for Hyperkalemic periodic paralysis. Last evaluated: 2026-01-28. Review status: criteria provided, single submitter. Criteria: Invitae Variant Classification Sherloc (09022015). Collection method: clinical testing. Allele origin: germline.
Comment: This sequence change replaces glycine, which is neutral and non-polar, with alanine, which is neutral and non-polar, at codon 1306 of the SCN4A protein (p.Gly1306Ala). This variant is present in population databases (rs80338792, gnomAD 0.0009%). This missense change has been observed in individual(s) with autosomal dominant myotonia fluctuans (PMID: 7980103, 8308722, 26080010, 26885337). It has also been observed to segregate with disease in related individuals. ClinVar contains an entry for this variant (Variation ID: 5908). Invitae Evidence Modeling of protein sequence and biophysical properties (such as structural, functional, and spatial information, amino acid conservation, physicochemical variation, residue mobility, and thermodynamic stability) has been performed for this missense variant. However, the output from this modeling did not meet the statistical confidence thresholds required to predict the impact of this variant on SCN4A protein function. Experimental studies have shown that this missense change affects SCN4A function (PMID: 7473241, 16392038). This variant disrupts the p.Gly1306 amino acid residue in SCN4A. Other variant(s) that disrupt this residue have been determined to be pathogenic (PMID: 8308722, 16832098, 17823953, 20713951). This suggests that this residue is clinically significant, and that variants that disrupt this residue are likely to be disease-causing. For these reasons, this variant has been classified as Pathogenic.

CeGaT Center for Human Genetics Tuebingen
Classification: Pathogenic. Last evaluated: 2025-10-01. Review status: criteria provided, single submitter. Criteria: CeGaT Center For Human Genetics Tuebingen Variant Classification Criteria Version 2. Collection method: clinical testing. Allele origin: germline. Affected: yes. Observed: 5 variant alleles.
Comment: SCN4A: PS4, PM1, PM2, PM5, PP3, PS3:Supporting

Athena Diagnostics
Classification: Pathogenic. Last evaluated: 2025-06-19. Review status: criteria provided, single submitter. Criteria: Athena Diagnostics Criteria. Collection method: clinical testing. Allele origin: unknown.
Comment: The frequency of this variant in the general population is consistent with pathogenicity. This variant has been identified in individuals with myotonia and segregates with disease in multiple families. Assessment of experimental evidence suggests this variant results in abnormal protein function. (PMID: 7473241, 8740371, 16392038). At least one other missense variant at this codon is considered to be pathogenic or likely pathogenic, suggesting this variant may also cause disease.

Ambry Genetics
Classification: Pathogenic for Inborn genetic diseases. Last evaluated: 2025-04-03. Review status: criteria provided, single submitter. Criteria: Ambry Variant Classification Scheme 2023. Collection method: clinical testing. Allele origin: germline.
Comment: The c.3917G>C (p.G1306A) alteration is located in exon 22 (coding exon 22) of the SCN4A gene. This alteration results from a G to C substitution at nucleotide position 3917, causing the glycine (G) at amino acid position 1306 to be replaced by an alanine (A). for autosomal dominant SCN4A-related myotonia and/or periodic paralysis; however, its clinical significance for autosomal recessive SCN4A-related congenital myasthenic syndrome is uncertain. Based on data from gnomAD, the C allele has an overall frequency of <0.001% (1/249512) total alleles studied. The highest observed frequency was 0.001% (1/113018) of European (non-Finnish) alleles. This variant was identified in one or more individuals with features consistent with autosomal dominant SCN4A-related myotonia and segregated with disease in at least one family (Ricker, 1994; Trivedi, 2013; Torbergsen, 2015). Other variant(s) at the same codon, c.3917G>T (p.G1306V), have been identified in individual(s) with features consistent with autosomal dominant SCN4A-related myotonia (Trip, 2008). This amino acid position is highly conserved in available vertebrate species. In multiple assays testing SCN4A function, this variant showed functionally abnormal and functionally indeterminant results (Mitrovi, 1995; Groome, 2005). This alteration is predicted to be deleterious by in silico analysis. Based on the available evidence, this alteration is classified as pathogenic.

Revvity Omics, Revvity
Classification: Pathogenic. Last evaluated: 2025-03-10. Review status: criteria provided, single submitter. Criteria: ACMG Guidelines, 2015. Collection method: clinical testing. Allele origin: germline.

PreventionGenetics, part of Exact Sciences
Classification: Pathogenic for SCN4A-related condition. Last evaluated: 2024-11-21. Review status: criteria provided, single submitter. Criteria: ACMG Guidelines, 2015. Collection method: clinical testing. Allele origin: germline.
Comment: The SCN4A c.3917G>C variant is predicted to result in the amino acid substitution p.Gly1306Ala. This variant, alternatively referred to as G1306A, in the heterozygous state has been reported in several individuals with myotonia (see example: Lerche et al. 1993. PubMed ID: 8308722; Torbergsen et al. 2015. PubMed ID: 26080010; Ricker et al. 1994. PubMed ID: 7980103) and in the homozygous state in one individual with myotonia (Heidari et al. 2015. PubMed ID: 26885337). This variant is found in the intracellular loop between the third and fourth domain and patch-clamp functional studies showed mild effects for p.Gly1306Ala on voltage-gaiting properties (Mitrović et al. 1995. PubMed ID: 1747324; Groome et al. 2005. PubMed ID: 16392038). Alternate nucleotide changes affecting the same amino acid, p.Gly1306Glu and p.Gly1306Val, have been reported in patients with myotonia and are classified as pathogenic (Lerche et al. 1993. PubMed ID: 8308722; Internal Data, PreventionGenetics). This variant is reported in 0.00088% of alleles in individuals of European (non-Finnish) descent in gnomAD. This variant is interpreted as pathogenic.